The following is an entry in ClinVar:

NM_000264.5(PTCH1):c.3337C>T (p.Arg1113Cys)

Gene: PTCH1 (patched 1; minus strand). Cytogenetic location: 9q22.32.
Variant type: single nucleotide variant.
Coding change: c.3337C>T on transcript NM_000264.5 (MANE Select); coding-DNA position 3337, C replaced by T.
Protein change: p.Arg1113Cys; replaces arginine 1113 with cysteine.
Molecular consequence: missense variant. On other transcripts: non-coding transcript variant (1).
Genome position (GRCh38, 1-based): chr9:95,453,590, G>A on the plus strand (C>T on the coding strand, the complement: PTCH1 is on the minus strand). VCF-style: chr9-95453590-G-A. GRCh37 (hg19) VCF-style: chr9-98215872-G-A.
Other names: c.3337C>T (NM_000264.4); c.3139C>T, p.Arg1047Cys (NM_001083602.3); c.3334C>T, p.Arg1112Cys (NM_001083603.3); c.2884C>T, p.Arg962Cys (NM_001083604.3, NM_001083605.3, NM_001083606.3 and 1 more transcripts); c.3181C>T, p.Arg1061Cys (NM_001354918.2); short protein forms R1047C, R1061C, R1113C, R1112C, R962C.
Identifiers: ClinVar variation 823625 (VCV000823625.22), dbSNP rs758520331, ClinGen allele CA5138167.
Genomic context (GRCh38, chr9:95,453,590, plus strand): 5'-TGGACACGGCGCCATCCAGGACGGGTGCAAACATGTGCTCCAGGGCAAGCACAGCCCTGC[G>A]GTTCTTGTCGCCGATGGCCGTCAGAAAGGCCTGTGCAATGAGGATGTTCACAAGATCAGG-3'
Protein context (NP_000255.2, residues 1103-1123): AFLTAIGDKN[Arg1113Cys]RAVLALEHMF

ClinVar aggregate classification (germline): Conflicting classifications of pathogenicity. Review status: criteria provided, conflicting classifications (1 of 4 stars). 5 submissions from 5 submitters: Uncertain significance (2); Benign (2); Likely benign (1). Last evaluated 2026-01-10.

Conditions:
Hereditary cancer-predisposing syndrome. Also called: Neoplastic Syndromes, Hereditary; Tumor predisposition; Hereditary Cancer Syndrome; Hereditary neoplastic syndrome. Identifiers: Orphanet 140162, MedGen C0027672, MeSH D009386, MONDO:0015356.
Basal cell carcinoma, susceptibility to, 1. Also called: BCC1. Identifiers: MedGen C2751544, MONDO:0011556, OMIM 605462.
Gorlin syndrome. Also called: Nevoid Basal Cell Carcinoma Syndrome; Basal cell nevus syndrome. Identifiers: Orphanet 377, MedGen C0004779, MONDO:0007187.

Allele frequency attached by ClinVar (database versions not stated): gnomAD 0.00001; gnomAD exomes 0.00001; TOPMed 0.00001; ExAC 0.00002.
gnomAD v4.1: 18 of 1,613,860 alleles (0.0011%); highest among the groups gnomAD compares: East Asian, 0.0067%; 1 homozygote.

Submissions (5):

Labcorp Genetics (formerly Invitae), Labcorp
Classification: Benign for Gorlin syndrome. Last evaluated: 2026-01-10. Review status: criteria provided, single submitter. Criteria: Invitae Variant Classification Sherloc (09022015). Collection method: clinical testing. Allele origin: germline.

Ambry Genetics
Classification: Benign for Hereditary cancer-predisposing syndrome. Last evaluated: 2025-09-09. Review status: criteria provided, single submitter. Criteria: Ambry Variant Classification Scheme 2023. Collection method: clinical testing. Allele origin: germline.

Quest Diagnostics Nichols Institute San Juan Capistrano
Classification: Uncertain significance. Last evaluated: 2025-01-24. Review status: criteria provided, single submitter. Criteria: Quest Diagnostics criteria. Collection method: clinical testing. Allele origin: unknown.
Comment: The PTCH1 c.3337C>T (p.Arg1113Cys) variant has been reported in the published literature in an individual with breast cancer (PMID: 35884425 (2022)), and in two members of a family with thyroid and ovarian cancer (PMID: 39251783 (2025)). The frequency of this variant in the general population (Genome Aggregation Database) is uninformative in the assessment of its pathogenicity. Analysis of this variant using bioinformatics tools for the prediction of the effect of amino acid changes on protein structure and function yielded predictions that this variant is damaging. Based on the available information, we are unable to determine the clinical significance of this variant.

Blueprint Genetics
Classification: Likely benign. Last evaluated: 2023-08-16. Review status: criteria provided, single submitter. Criteria: ACMG Guidelines, 2015. Collection method: clinical testing. Allele origin: germline.

Centre for Mendelian Genomics, University Medical Centre Ljubljana
Classification: Uncertain significance for Basal cell carcinoma, susceptibility to, 1. Last evaluated: 2019-06-12. Review status: criteria provided, single submitter. Criteria: ACMG Guidelines, 2015. Collection method: clinical testing. Allele origin: unknown. Affected: yes.
Comment: This variant was classified as: Uncertain significance. The available evidence on this variant's pathogenicity is insufficient or conflicting. The following ACMG criteria were applied in classifying this variant: PP3.

Literature cited by the submitters: PubMed 39251783 (cited by Quest Diagnostics Nichols Institute San Juan Capistrano); PubMed 35884425 (cited by Quest Diagnostics Nichols Institute San Juan Capistrano).